The following is an entry in ClinVar:

ClinVar aggregate classification (germline): Uncertain significance (1 of 4 stars; one submission).

Conditions:
Dyskeratosis congenita. Identifiers: Orphanet 1775, MedGen C0265965, MONDO:0015780.

Allele frequency attached by ClinVar (database versions not stated): gnomAD 0.00001.
gnomAD v4.1: 22 of 1,613,974 alleles (0.0014%); highest among the groups gnomAD compares: Non-Finnish European, 0.0017%; no homozygotes.

Submission:

Labcorp Genetics (formerly Invitae), Labcorp
Classification: Uncertain significance for Dyskeratosis congenita. Last evaluated: 2022-05-19. Review status: criteria provided, single submitter. Criteria: Invitae Variant Classification Sherloc (09022015). Collection method: clinical testing. Allele origin: germline.
Comment: This variant is present in population databases (no rsID available, gnomAD 0.0009%). This sequence change replaces leucine, which is neutral and non-polar, with valine, which is neutral and non-polar, at codon 1210 of the CTC1 protein (p.Leu1210Val). This variant has not been reported in the literature in individuals affected with CTC1-related conditions. Algorithms developed to predict the effect of missense changes on protein structure and function output the following: SIFT: "Tolerated"; PolyPhen-2: "Benign"; Align-GVGD: "Class C0". The valine amino acid residue is found in multiple mammalian species, which suggests that this missense change does not adversely affect protein function. In summary, the available evidence is currently insufficient to determine the role of this variant in disease. Therefore, it has been classified as a Variant of Uncertain Significance.

NM_025099.6(CTC1):c.3628C>G (p.Leu1210Val)

Gene: CTC1 (CST telomere replication complex component 1; minus strand). Cytogenetic location: 17p13.1.
Variant type: single nucleotide variant.
Coding change: c.3628C>G on transcript NM_025099.6 (MANE Select); coding-DNA position 3628, C replaced by G.
Protein change: p.Leu1210Val; replaces leucine 1210 with valine.
Molecular consequence: missense variant. On other transcripts: non-coding transcript variant (1).
Genome position (GRCh38, 1-based): chr17:8,228,206, G>C on the plus strand (C>G on the coding strand, the complement: CTC1 is on the minus strand). VCF-style: chr17-8228206-G-C. GRCh37 (hg19) VCF-style: chr17-8131524-G-C.
Other names: c.3397C>G, p.Leu1133Val (NM_001411067.1); short protein forms L1133V, L1210V.
Identifiers: ClinVar variation 1914434 (VCV001914434.5), dbSNP rs1168007580, ClinGen allele CA397967530.